The following is an entry in ClinVar:

ClinVar aggregate classification (germline): Uncertain significance (1 of 4 stars; one submission).

Conditions:
Hereditary cancer-predisposing syndrome. Also called: Hereditary Cancer Syndrome; Hereditary neoplastic syndrome; Neoplastic Syndromes, Hereditary; Tumor predisposition. Identifiers: Orphanet 140162, MedGen C0027672, MeSH D009386, MONDO:0015356.

Submission:

Ambry Genetics
Classification: Uncertain significance for Hereditary cancer-predisposing syndrome. Last evaluated: 2022-06-11. Review status: criteria provided, single submitter. Criteria: Ambry Variant Classification Scheme 2023. Collection method: clinical testing. Allele origin: germline.
Comment: The p.T328P variant (also known as c.982A>C), located in coding exon 8 of the STK11 gene, results from an A to C substitution at nucleotide position 982. The threonine at codon 328 is replaced by proline, an amino acid with highly similar properties. This amino acid position is conserved. In addition, this alteration is predicted to be tolerated by in silico analysis. Since supporting evidence is limited at this time, the clinical significance of this alteration remains unclear.

NM_000455.5(STK11):c.982A>C (p.Thr328Pro)

Genes: STK11 (serine/threonine kinase 11; plus strand), LOC130062899 (ATAC-STARR-seq lymphoblastoid active region 13597; plus strand). Cytogenetic location: 19p13.3.
Variant type: single nucleotide variant.
Coding change: c.982A>C on transcript NM_000455.5 (MANE Select); coding-DNA position 982, A replaced by C.
Protein change: p.Thr328Pro; replaces threonine 328 with proline.
Molecular consequence: missense variant.
Genome position (GRCh38, 1-based): chr19:1,223,046, A>C. VCF-style: chr19-1223046-A-C. GRCh37 (hg19) VCF-style: chr19-1223045-A-C.
Other names: c.982A>C, p.Thr328Pro (NM_001407255.1); short protein forms T328P.
Identifiers: ClinVar variation 1768333 (VCV001768333.2), dbSNP rs2512948898, ClinGen allele CA402951611.